The following is an entry in ClinVar:

ClinVar aggregate classification (germline): Uncertain significance (1 of 4 stars; one submission).

Conditions:
Hereditary cancer-predisposing syndrome. Also called: Neoplastic Syndromes, Hereditary; Tumor predisposition; Hereditary Cancer Syndrome; Hereditary neoplastic syndrome. Identifiers: Orphanet 140162, MedGen C0027672, MeSH D009386, MONDO:0015356.

Submission:

Ambry Genetics
Classification: Uncertain significance for Hereditary cancer-predisposing syndrome. Last evaluated: 2025-09-12. Review status: criteria provided, single submitter. Criteria: Ambry Variant Classification Scheme 2023. Collection method: clinical testing. Allele origin: germline.
Comment: The p.N55H variant (also known as c.163A>C), located in coding exon 2 of the BARD1 gene, results from an A to C substitution at nucleotide position 163. The asparagine at codon 55 is replaced by histidine, an amino acid with similar properties. This amino acid position is conserved. In addition, this alteration is predicted to be tolerated by in silico analysis. Based on the available evidence, the clinical significance of this variant remains unclear.

NM_000465.4(BARD1):c.163A>C (p.Asn55His)

Gene: BARD1 (BRCA1 associated RING domain 1; minus strand). Cytogenetic location: 2q35.
Variant type: single nucleotide variant.
Coding change: c.163A>C on transcript NM_000465.4 (MANE Select); coding-DNA position 163, A replaced by C.
Protein change: p.Asn55His; replaces asparagine 55 with histidine.
Molecular consequence: missense variant. On other transcripts: non-coding transcript variant (2), intron variant (2).
Genome position (GRCh38, 1-based): chr2:214,797,113, T>G on the plus strand (A>C on the coding strand, the complement: BARD1 is on the minus strand). VCF-style: chr2-214797113-T-G. GRCh37 (hg19) VCF-style: chr2-215661837-T-G.
Other names: c.163A>C, p.Asn55His (NM_001282545.2, NM_001282549.2); c.158+12299A>C (NM_001282548.2); c.159-4668A>C (NM_001282543.2); short protein forms N55H.
Identifiers: ClinVar variation 4196422 (VCV004196422.1).